The following is an entry in ClinVar:

NM_138927.4(SON):c.1892_1910del (p.Glu631fs)

Gene: SON (SON DNA and RNA binding protein; plus strand). Cytogenetic location: 21q22.11.
Variant type: Deletion.
Coding change: c.1892_1910del on transcript NM_138927.4 (MANE Select); coding-DNA positions 1892 to 1910, 19 bases deleted (AGTTGCCAGGGCAGCCTGG).
Protein change: p.Glu631fs; shifts the reading frame from glutamic acid 631.
Molecular consequence: frameshift variant. On other transcripts: non-coding transcript variant (1), intron variant (1).
Genome position (GRCh38, 1-based): chr21:33,551,123-33,551,141, AGTTGCCAGGGCAGCCTGG deleted; deleting any 19 consecutive bases within chr21:33,551,119-33,551,141 gives the same sequence; the c. name uses the placement nearest the transcript's 3' end. VCF-style (leftmost placement, unchanged base first): chr21-33551118-GCTGGAGTTGCCAGGGCAGC-G. GRCh37 (hg19) VCF-style: chr21-34923424-GCTGGAGTTGCCAGGGCAGC-G.
Other names: c.1892_1910del, p.Glu631fs (NM_001291411.2, NM_032195.3); c.1892_1910del19, p.Glu631Glyfs (NM_001412133.1, NM_058183.2, NM_138926.1); c.244+4744_244+4762del (NM_001291412.3); short protein forms E631fs.
Identifiers: ClinVar variation 1806327 (VCV001806327.1), dbSNP rs2517358316, ClinGen allele CA1139532806.

ClinVar aggregate classification (germline): Pathogenic (1 of 4 stars; one submission).

Conditions:
ZTTK syndrome (ZTTKS). Also called: Zhu-Tokita-Takenouchi-Kim Syndrome; ZTTK MULTIPLE CONGENITAL ANOMALIES-MENTAL RETARDATION SYNDROME. Identifiers: Orphanet 500150, MedGen C4310696, MONDO:0014936, OMIM 617140.

Submission:

Victorian Clinical Genetics Services, Murdoch Childrens Research Institute
Classification: Pathogenic for ZTTK syndrome. Last evaluated: 2022-03-31. Review status: criteria provided, single submitter. Criteria: ACMG Guidelines, 2015. Collection method: clinical testing. Allele origin: germline. Inheritance: Autosomal dominant inheritance. Affected: yes.
Comment: Based on the classification scheme VCGS_Germline_v1.3.4, this variant is classified as Pathogenic. Following criteria are met: 0102 - Loss of function is a known mechanism of disease in this gene and is associated with ZTTK syndrome (MIM#617140). (I) 0107 - This gene is associated with autosomal dominant disease. (I) 0201 - Variant is predicted to cause nonsense-mediated decay (NMD) and loss of protein (premature termination codon is located at least 54 nucleotides upstream of the final exon-exon junction). (SP) 0251 - This variant is heterozygous. (I) 0301 - Variant is absent from gnomAD (both v2 and v3). (SP) 0401 - Variant is located in a gene associated with a severe early-onset dominant condition that is intolerant to loss of function variants (gnomAD, OMIM). (SP) 0701 - Other NMD-predicted variants comparable to the one identified in this case have very strong previous evidence for pathogenicity. NMD-predicted variants in this gene have been reported in many individuals with ZTTK syndrome (ClinVar, PMID: 27545680). (SP) 0807 - This variant has no previous evidence of pathogenicity. (I) 0905 - No published segregation evidence has been identified for this variant. (I) 1007 - No published functional evidence has been identified for this variant. (I) 1102 - Strong phenotype match for this individual. (SP) Legend: (SP) - Supporting pathogenic, (I) - Information, (SB) - Supporting benign

Literature cited by the submitters: PubMed 27545680.